The following is an entry in ClinVar:

NM_001365925.2(NLGN1):c.989C>A (p.Ala330Glu)

Gene: NLGN1 (neuroligin 1; plus strand). Cytogenetic location: 3q26.31.
Variant type: single nucleotide variant.
Coding change: c.989C>A on transcript NM_001365925.2 (MANE Select); coding-DNA position 989, C replaced by A.
Protein change: p.Ala330Glu; replaces alanine 330 with glutamic acid.
Molecular consequence: missense variant.
Genome position (GRCh38, 1-based): chr3:174,278,930, C>A. VCF-style: chr3-174278930-C-A. GRCh37 (hg19) VCF-style: chr3-173996720-C-A.
Other names: c.929C>A (NM_014932.2); c.989C>A, p.Ala330Glu (NM_001365923.2, NM_001365924.2, NM_001365926.2 and 2 more transcripts); c.929C>A, p.Ala310Glu (NM_001365929.2, NM_001365930.2, NM_001365931.2 and 3 more transcripts); c.902C>A, p.Ala301Glu (NM_001365934.2, NM_001365935.2, NM_001365936.2); short protein forms A301E, A310E, A330E.
Identifiers: ClinVar variation 3031474 (VCV003031474.3), dbSNP rs749502013, ClinGen allele CA2708680.

ClinVar aggregate classification (germline): Uncertain significance. Review status: criteria provided, single submitter (1 of 4 stars). 2 submissions from 2 submitters: Uncertain significance (1). 1 of the submissions does not count toward it. Last evaluated 2025-08-20.

Conditions:
Inborn genetic diseases. Identifiers: MedGen C0950123, MeSH D030342.
NLGN1-related disorder. Also called: NLGN1-related condition.

Allele frequency attached by ClinVar (database versions not stated): ExAC 0.00004; TOPMed 0.00005; gnomAD 0.00007.
gnomAD v4.1: 61 of 1,519,710 alleles (0.004%); highest among the groups gnomAD compares: Non-Finnish European, 0.00062%; no homozygotes.

Submissions (2):

Ambry Genetics
Classification: Uncertain significance for Inborn genetic diseases. Last evaluated: 2025-08-20. Review status: criteria provided, single submitter. Criteria: Ambry Variant Classification Scheme 2023. Collection method: clinical testing. Allele origin: germline.

PreventionGenetics, part of Exact Sciences
Classification: Likely benign for NLGN1-related condition. Last evaluated: 2023-04-08. Review status: no assertion criteria provided. Collection method: clinical testing. Allele origin: germline. Not counted in ClinVar's aggregate classification.
Comment: This variant is classified as likely benign based on ACMG/AMP sequence variant interpretation guidelines (Richards et al. 2015 PMID: 25741868, with internal and published modifications).